The following is an entry in ClinVar:

ClinVar aggregate classification (germline): Uncertain significance. Review status: criteria provided, multiple submitters, no conflicts (2 of 4 stars). 3 submissions from 3 submitters: Uncertain significance (3). Last evaluated 2025-10-27.

Conditions:
Cardiovascular phenotype. Identifiers: MedGen CN230736.
Lethal congenital glycogen storage disease of heart. Also called: PHOSPHORYLASE KINASE DEFICIENCY OF HEART; GLYCOGEN STORAGE DISEASE OF HEART. Identifiers: Orphanet 439854, MedGen C1849813, MONDO:0009867, OMIM 261740.

Submissions (3):

Labcorp Genetics (formerly Invitae), Labcorp
Classification: Uncertain significance for Lethal congenital glycogen storage disease of heart. Last evaluated: 2025-10-27. Review status: criteria provided, single submitter. Criteria: Invitae Variant Classification Sherloc (09022015). Collection method: clinical testing. Allele origin: germline.
Comment: This sequence change replaces glutamic acid, which is acidic and polar, with lysine, which is basic and polar, at codon 427 of the PRKAG2 protein (p.Glu427Lys). This variant is not present in population databases (gnomAD no frequency). This variant has not been reported in the literature in individuals affected with PRKAG2-related conditions. ClinVar contains an entry for this variant (Variation ID: 860064). Invitae Evidence Modeling of protein sequence and biophysical properties (such as structural, functional, and spatial information, amino acid conservation, physicochemical variation, residue mobility, and thermodynamic stability) has been performed for this missense variant. However, the output from this modeling did not meet the statistical confidence thresholds required to predict the impact of this variant on PRKAG2 protein function. In summary, the available evidence is currently insufficient to determine the role of this variant in disease. Therefore, it has been classified as a Variant of Uncertain Significance.

Ambry Genetics
Classification: Uncertain significance for Cardiovascular phenotype. Last evaluated: 2023-10-16. Review status: criteria provided, single submitter. Criteria: Ambry Variant Classification Scheme 2023. Collection method: clinical testing. Allele origin: germline.
Comment: The p.E427K variant (also known as c.1279G>A), located in coding exon 12 of the PRKAG2 gene, results from a G to A substitution at nucleotide position 1279. The glutamic acid at codon 427 is replaced by lysine, an amino acid with similar properties. This amino acid position is conserved. In addition, the in silico prediction for this alteration is inconclusive. Since supporting evidence is limited at this time, the clinical significance of this alteration remains unclear.

GeneDx
Classification: Uncertain significance. Last evaluated: 2023-10-12. Review status: criteria provided, single submitter. Criteria: GeneDx Variant Classification Process June 2021. Collection method: clinical testing. Allele origin: germline.
Comment: Not observed at significant frequency in large population cohorts (gnomAD); In silico analysis supports that this missense variant has a deleterious effect on protein structure/function; Has not been previously published as pathogenic or benign to our knowledge

NM_016203.4(PRKAG2):c.1279G>A (p.Glu427Lys)

Gene: PRKAG2 (protein kinase AMP-activated non-catalytic subunit gamma 2; minus strand). Cytogenetic location: 7q36.1.
Variant type: single nucleotide variant.
Coding change: c.1279G>A on transcript NM_016203.4 (MANE Select); coding-DNA position 1279, G replaced by A.
Protein change: p.Glu427Lys; replaces glutamic acid 427 with lysine.
Molecular consequence: missense variant.
Genome position (GRCh38, 1-based): chr7:151,565,840, C>T on the plus strand (G>A on the coding strand, the complement: PRKAG2 is on the minus strand). VCF-style: chr7-151565840-C-T. GRCh37 (hg19) VCF-style: chr7-151262926-C-T.
Other names: c.1147G>A, p.Glu383Lys (NM_001040633.2); c.904G>A, p.Glu302Lys (NM_001304527.2); c.556G>A, p.Glu186Lys (NM_001304531.2, NM_024429.2); c.907G>A, p.Glu303Lys (NM_001363698.2); short protein forms E186K, E303K, E383K, E302K, E427K.
Identifiers: ClinVar variation 860064 (VCV000860064.13), dbSNP rs1806121695, ClinGen allele CA370071141.